The following is an entry in ClinVar:

ClinVar aggregate classification (germline): Uncertain significance (1 of 4 stars; one submission).

Conditions:
Autosomal recessive spastic paraplegia type 76. Identifiers: Orphanet 488594, MedGen C5567483, MONDO:0014827, OMIM 616907.

gnomAD v4.1: 2 of 1,579,610 alleles (0.00013%); highest among the groups gnomAD compares: Non-Finnish European, 0.000086%; no homozygotes.

Submission:

3billion
Classification: Uncertain significance for Autosomal recessive spastic paraplegia type 76. Last evaluated: 2026-01-19. Review status: criteria provided, single submitter. Criteria: ACMG Guidelines, 2015. Collection method: clinical testing. Allele origin: germline. Affected: yes.
Comment: The variant is observed at an extremely low frequency in the gnomAD v4.1.0 dataset (total allele frequency: <0.001%). Predicted Consequence/Location: Missense variant In silico tool predictions suggest damaging effect of the variant on gene or gene product [REVEL: 0.96 (>=0.6, sensitivity 0.68 and specificity 0.92); 3Cnet: 0.83 (> 0.75, sensitivity 0.96 and precision 0.92)]. Therefore, this variant is classified as VUS according to the recommendation of ACMG/AMP guideline.

NM_005186.4(CAPN1):c.1145G>A (p.Gly382Glu)

Gene: CAPN1 (calpain 1; plus strand). Cytogenetic location: 11q13.1.
Variant type: single nucleotide variant.
Coding change: c.1145G>A on transcript NM_005186.4 (MANE Select); coding-DNA position 1145, G replaced by A.
Protein change: p.Gly382Glu; replaces glycine 382 with glutamic acid.
Molecular consequence: missense variant. On other transcripts: non-coding transcript variant (1).
Genome position (GRCh38, 1-based): chr11:65,188,726, G>A. VCF-style: chr11-65188726-G-A. GRCh37 (hg19) VCF-style: chr11-64956197-G-A.
Other names: c.1145G>A, p.Gly382Glu (NM_001198868.2, NM_001198869.2); short protein forms G382E.
Identifiers: ClinVar variation 4854238 (VCV004854238.1).